The following is an entry in ClinVar:

NM_198253.3(TERT):c.1805C>A (p.Ser602Ter)

Gene: TERT (telomerase reverse transcriptase; minus strand). Cytogenetic location: 5p15.33.
Variant type: single nucleotide variant.
Coding change: c.1805C>A on transcript NM_198253.3 (MANE Select); coding-DNA position 1805, C replaced by A.
Protein change: p.Ser602Ter; replaces serine 602 with a stop codon.
Molecular consequence: nonsense. On other transcripts: non-coding transcript variant (2).
Genome position (GRCh38, 1-based): chr5:1,280,303, G>T on the plus strand (C>A on the coding strand, the complement: TERT is on the minus strand). VCF-style: chr5-1280303-G-T. GRCh37 (hg19) VCF-style: chr5-1280418-G-T.
Other names: c.1805C>A, p.Ser602Ter (NM_001193376.3, NM_003219.1); short protein forms S602*.
Identifiers: ClinVar variation 2944803 (VCV002944803.3), dbSNP rs759017540, ClinGen allele CA359082022.

ClinVar aggregate classification (germline): Pathogenic (1 of 4 stars; one submission).

Conditions:
Dyskeratosis congenita, autosomal dominant 2. Identifiers: MedGen C3151443, MONDO:0013521, OMIM 613989.
Idiopathic Pulmonary Fibrosis. Also called: Idiopathic fibrosing alveolitis, chronic form; idiopathic fibrosing alveolitis. Identifiers: Orphanet 2032, MedGen C1800706, MeSH D054990, MONDO:0800504.

Submission:

Labcorp Genetics (formerly Invitae), Labcorp
Classification: Pathogenic for Dyskeratosis congenita, autosomal dominant 2; Idiopathic Pulmonary Fibrosis. Last evaluated: 2023-02-28. Review status: criteria provided, single submitter. Criteria: Invitae Variant Classification Sherloc (09022015). Collection method: clinical testing. Allele origin: germline.
Comment: For these reasons, this variant has been classified as Pathogenic. Algorithms developed to predict the effect of sequence changes on RNA splicing suggest that this variant may disrupt the consensus splice site. This variant has not been reported in the literature in individuals affected with TERT-related conditions. This variant is not present in population databases (gnomAD no frequency). This sequence change creates a premature translational stop signal (p.Ser602*) in the TERT gene. It is expected to result in an absent or disrupted protein product. Loss-of-function variants in TERT are known to be pathogenic (PMID: 16247010, 17460043).

Literature cited by the submitters: PubMed 16247010; PubMed 17460043.